The following is an entry in ClinVar:

NM_016151.4(TAOK2):c.539A>G (p.Asn180Ser)

Gene: TAOK2 (TAO kinase 2; plus strand). Cytogenetic location: 16p11.2.
Variant type: single nucleotide variant.
Coding change: c.539A>G on transcript NM_016151.4 (MANE Select); coding-DNA position 539, A replaced by G.
Protein change: p.Asn180Ser; replaces asparagine 180 with serine.
Molecular consequence: missense variant.
Genome position (GRCh38, 1-based): chr16:29,979,284, A>G. VCF-style: chr16-29979284-A-G. GRCh37 (hg19) VCF-style: chr16-29990605-A-G.
Other names: c.539A>G, p.Asn180Ser (NM_001252043.2, NM_004783.4); short protein forms N180S.
Identifiers: ClinVar variation 2069551 (VCV002069551.6), dbSNP rs140117945, ClinGen allele CA7997833.

ClinVar aggregate classification (germline): Uncertain significance. Review status: criteria provided, multiple submitters, no conflicts (2 of 4 stars). 2 submissions from 2 submitters: Uncertain significance (2). Last evaluated 2025-04-11.

Allele frequency attached by ClinVar (database versions not stated): ExAC 0.00002; gnomAD 0.00006; TOPMed 0.00012; ESP Exome Variant Server 0.00015.
gnomAD v4.1: 54 of 1,613,514 alleles (0.0033%); highest among the groups gnomAD compares: African/African-American, 0.016%; no homozygotes.

Submissions (2):

Labcorp Genetics (formerly Invitae), Labcorp
Classification: Uncertain significance. Last evaluated: 2025-04-11. Review status: criteria provided, single submitter. Criteria: Invitae Variant Classification Sherloc (09022015). Collection method: clinical testing. Allele origin: germline.
Comment: This sequence change replaces asparagine, which is neutral and polar, with serine, which is neutral and polar, at codon 180 of the TAOK2 protein (p.Asn180Ser). This variant is present in population databases (rs140117945, gnomAD 0.01%). This variant has not been reported in the literature in individuals affected with TAOK2-related conditions. ClinVar contains an entry for this variant (Variation ID: 2069551). An algorithm developed to predict the effect of missense changes on protein structure and function (PolyPhen-2) suggests that this variant is likely to be tolerated. In summary, the available evidence is currently insufficient to determine the role of this variant in disease. Therefore, it has been classified as a Variant of Uncertain Significance.

Ambry Genetics
Classification: Uncertain significance. Last evaluated: 2024-06-25. Review status: criteria provided, single submitter. Criteria: Ambry Variant Classification Scheme 2023. Collection method: clinical testing. Allele origin: germline.